The following is an entry in ClinVar:

ClinVar aggregate classification (germline): Uncertain significance (1 of 4 stars; one submission).

Conditions:
Mendelian susceptibility to mycobacterial diseases due to partial STAT1 deficiency. Also called: IMMUNODEFICIENCY 31A, MYCOBACTERIOSIS, AUTOSOMAL DOMINANT; STAT1 DEFICIENCY, AUTOSOMAL DOMINANT; Immunodeficiency 31a. Identifiers: Orphanet 319595, MedGen C4013950, MONDO:0013956, OMIM 614892.
Immunodeficiency 31B. Also called: STAT1 DEFICIENCY, AUTOSOMAL RECESSIVE; IMMUNODEFICIENCY 31B, MYCOBACTERIAL AND VIRAL INFECTIONS, AUTOSOMAL RECESSIVE. Identifiers: Orphanet 391311, MedGen C3151088, MONDO:0013427, OMIM 613796.
Autoimmune enteropathy and endocrinopathy - susceptibility to chronic infections syndrome. Also called: Immunodeficiency 31C, autosomal dominant; Immunodeficiency 31C. Identifiers: Orphanet 391487, MedGen C3279990, MONDO:0013599, OMIM 614162.

Submission:

Labcorp Genetics (formerly Invitae), Labcorp
Classification: Uncertain significance for Mendelian susceptibility to mycobacterial diseases due to partial STAT1 deficiency; Immunodeficiency 31B; Autoimmune enteropathy and endocrinopathy - susceptibility to chronic infections syndrome. Last evaluated: 2022-06-25. Review status: criteria provided, single submitter. Criteria: Invitae Variant Classification Sherloc (09022015). Collection method: clinical testing. Allele origin: germline.
Comment: In summary, the available evidence is currently insufficient to determine the role of this variant in disease. Therefore, it has been classified as a Variant of Uncertain Significance. Experimental studies have shown that this missense change affects STAT1 function (PMID: 29317535). Algorithms developed to predict the effect of missense changes on protein structure and function (SIFT, PolyPhen-2, Align-GVGD) all suggest that this variant is likely to be tolerated. This variant has not been reported in the literature in individuals affected with STAT1-related conditions. This variant is not present in population databases (gnomAD no frequency). This sequence change replaces glutamic acid, which is acidic and polar, with valine, which is neutral and non-polar, at codon 169 of the STAT1 protein (p.Glu169Val).

Literature cited by the submitters: PubMed 29317535.

NM_007315.4(STAT1):c.506A>T (p.Glu169Val)

Gene: STAT1 (signal transducer and activator of transcription 1; minus strand). Cytogenetic location: 2q32.2.
Variant type: single nucleotide variant.
Coding change: c.506A>T on transcript NM_007315.4 (MANE Select); coding-DNA position 506, A replaced by T.
Protein change: p.Glu169Val; replaces glutamic acid 169 with valine.
Molecular consequence: missense variant.
Genome position (GRCh38, 1-based): chr2:190,999,661, T>A on the plus strand (A>T on the coding strand, the complement: STAT1 is on the minus strand). VCF-style: chr2-190999661-T-A. GRCh37 (hg19) VCF-style: chr2-191864387-T-A.
Other names: c.506A>T, p.Glu169Val (NM_001384880.1, NM_001384882.1, NM_001384885.1 and 5 more transcripts); c.512A>T, p.Glu171Val (NM_001384881.1, NM_001384884.1); c.499A>T, p.Asn167Tyr (NM_001384883.1); c.416A>T, p.Glu139Val (NM_001384890.1); c.542A>T, p.Glu181Val (NM_001384891.1); short protein forms E139V, N167Y, E181V, E169V, E171V.
Identifiers: ClinVar variation 2010635 (VCV002010635.4), dbSNP rs2470526541, ClinGen allele CA349924412.